The following is an entry in ClinVar:

ClinVar aggregate classification (germline): Uncertain significance (1 of 4 stars; one submission).

gnomAD v4.1: 13 of 1,613,828 alleles (0.00081%); highest among the groups gnomAD compares: South Asian, 0.0033%; no homozygotes.

Submission:

Labcorp Genetics (formerly Invitae), Labcorp
Classification: Uncertain significance. Last evaluated: 2024-01-19. Review status: criteria provided, single submitter. Criteria: Invitae Variant Classification Sherloc (09022015). Collection method: clinical testing. Allele origin: germline.
Comment: This sequence change replaces arginine, which is basic and polar, with tryptophan, which is neutral and slightly polar, at codon 212 of the ADAM9 protein (p.Arg212Trp). This variant is present in population databases (rs748192481, gnomAD 0.004%). This variant has not been reported in the literature in individuals affected with ADAM9-related conditions. ClinVar contains an entry for this variant (Variation ID: 1908798). Advanced modeling of protein sequence and biophysical properties (such as structural, functional, and spatial information, amino acid conservation, physicochemical variation, residue mobility, and thermodynamic stability) performed at Invitae indicates that this missense variant is not expected to disrupt ADAM9 protein function with a negative predictive value of 80%. In summary, the available evidence is currently insufficient to determine the role of this variant in disease. Therefore, it has been classified as a Variant of Uncertain Significance.

NM_003816.3(ADAM9):c.634C>T (p.Arg212Trp)

Gene: ADAM9 (ADAM metallopeptidase domain 9; plus strand). Cytogenetic location: 8p11.22.
Variant type: single nucleotide variant.
Coding change: c.634C>T on transcript NM_003816.3 (MANE Select); coding-DNA position 634, C replaced by T.
Protein change: p.Arg212Trp; replaces arginine 212 with tryptophan.
Molecular consequence: missense variant. On other transcripts: non-coding transcript variant (3).
Genome position (GRCh38, 1-based): chr8:39,018,880, C>T. VCF-style: chr8-39018880-C-T. GRCh37 (hg19) VCF-style: chr8-38876399-C-T.
Other names: short protein forms R212W.
Identifiers: ClinVar variation 1908798 (VCV001908798.3), dbSNP rs748192481, ClinGen allele CA4721390.